The following is an entry in ClinVar:

ClinVar aggregate classification (germline): Uncertain significance (1 of 4 stars; one submission).

Conditions:
Hereditary cancer-predisposing syndrome. Also called: Tumor predisposition; Neoplastic Syndromes, Hereditary; Hereditary neoplastic syndrome; Hereditary Cancer Syndrome. Identifiers: Orphanet 140162, MedGen C0027672, MeSH D009386, MONDO:0015356.

Submission:

Ambry Genetics
Classification: Uncertain significance for Hereditary cancer-predisposing syndrome. Last evaluated: 2025-08-27. Review status: criteria provided, single submitter. Criteria: Ambry Variant Classification Scheme 2023. Collection method: clinical testing. Allele origin: germline.
Comment: The p.E370G variant (also known as c.1109A>G), located in coding exon 12 of the MUTYH gene, results from an A to G substitution at nucleotide position 1109. The glutamic acid at codon 370 is replaced by glycine, an amino acid with similar properties. This amino acid position is conserved. In addition, the in silico prediction for this alteration is inconclusive. Based on the available evidence, the clinical significance of this variant remains unclear.

NM_001048174.2(MUTYH):c.1025A>G (p.Glu342Gly)

Gene: MUTYH (mutY DNA glycosylase; minus strand). Cytogenetic location: 1p34.1.
Variant type: single nucleotide variant.
Coding change: c.1025A>G on transcript NM_001048174.2 (MANE Select); coding-DNA position 1025, A replaced by G.
Protein change: p.Glu342Gly; replaces glutamic acid 342 with glycine.
Molecular consequence: missense variant. On other transcripts: non-coding transcript variant (7).
Genome position (GRCh38, 1-based): chr1:45,331,738, T>C on the plus strand (A>G on the coding strand, the complement: MUTYH is on the minus strand). VCF-style: chr1-45331738-T-C. GRCh37 (hg19) VCF-style: chr1-45797410-T-C.
Other names: c.1025A>G, p.Glu342Gly (NM_001048171.2, NM_001048173.2, NM_001293195.2 and 6 more transcripts); c.1028A>G, p.Glu343Gly (NM_001048172.2, NM_001407071.1, NM_001407078.1 and 1 more transcripts); c.1058A>G, p.Glu353Gly (NM_001293191.2, NM_001407069.1, NM_001407077.1); c.1109A>G, p.Glu370Gly (NM_001128425.2); c.749A>G, p.Glu250Gly (NM_001293192.2, NM_001293196.2, NM_001407091.1); c.1070A>G, p.Glu357Gly (NM_001293190.2); c.680A>G, p.Glu227Gly (NM_001350650.2, NM_001350651.2, NM_001407082.1); c.941A>G, p.Glu314Gly (NM_001407075.1); and 5 more; short protein forms E250G, E342G, E357G, E227G, E314G, E329G, E349G, E353G.
Identifiers: ClinVar variation 4113021 (VCV004113021.1).